The following is an entry in ClinVar:

ClinVar aggregate classification (germline): Uncertain significance (1 of 4 stars; one submission).

Conditions:
Cystinuria (CSNU). Also called: Cystinuria, non-type I; CYSTINURIA, TYPE I; CYSTINURIA, TYPE II; CYSTINURIA, TYPE III. Identifiers: Orphanet 214, MedGen C0010691, MONDO:0009067, OMIM 220100, HP:0003131.

Submission:

3billion
Classification: Uncertain significance for Cystinuria. Last evaluated: 2026-01-20. Review status: criteria provided, single submitter. Criteria: ACMG Guidelines, 2015. Collection method: clinical testing. Allele origin: germline. Affected: yes.
Comment: The variant is not observed in the gnomAD v4.1.0 dataset. Predicted Consequence/Location: Frameshift: predicted to result in a loss or disruption of normal protein function through protein truncation. The predicted truncated protein may be shortened by less than 10%. Therefore, this variant is classified as VUS according to the recommendation of ACMG/AMP guideline.

NM_014270.5(SLC7A9):c.1393del (p.Ile465fs)

Gene: SLC7A9 (solute carrier family 7 member 9; minus strand). Cytogenetic location: 19q13.11.
Variant type: Deletion.
Coding change: c.1393del on transcript NM_014270.5 (MANE Select); coding-DNA position 1393, one base deleted (A; older notation c.1393delA).
Protein change: p.Ile465fs; shifts the reading frame from isoleucine 465.
Molecular consequence: frameshift variant.
Genome position (GRCh38, 1-based): chr19:32,833,155, T deleted on the plus strand (A on the coding strand, the reverse complement: SLC7A9 is on the minus strand); the first of 4 consecutive T bases (chr19:32,833,155-32,833,158); deleting any one gives the same sequence. VCF-style (leftmost placement, unchanged base first): chr19-32833154-AT-A. GRCh37 (hg19) VCF-style: chr19-33324060-AT-A.
Other names: c.1393del, p.Ile465fs (NM_001126335.2, NM_001243036.2); short protein forms I465fs.
Identifiers: ClinVar variation 4855972 (VCV004855972.1).